The following is an entry in ClinVar:

ClinVar aggregate classification (germline): Pathogenic (1 of 4 stars; one submission).

Allele frequency attached by ClinVar (database versions not stated): gnomAD exomes below 0.00001; TOPMed below 0.00001; gnomAD 0.00001.
gnomAD v4.1: 1 of 1,607,242 alleles (0.000062%); highest among the groups gnomAD compares: Non-Finnish European, 0.000085%; no homozygotes.

Submission:

Labcorp Genetics (formerly Invitae), Labcorp
Classification: Pathogenic. Last evaluated: 2021-07-05. Review status: criteria provided, single submitter. Criteria: Invitae Variant Classification Sherloc (09022015). Collection method: clinical testing. Allele origin: germline.
Comment: This variant has not been reported in the literature in individuals affected with SNX10-related conditions. For these reasons, this variant has been classified as Pathogenic. This variant is not present in population databases (ExAC no frequency). This sequence change creates a premature translational stop signal (p.Gln6*) in the SNX10 gene. It is expected to result in an absent or disrupted protein product. Loss-of-function variants in SNX10 are known to be pathogenic (PMID: 23123320, 23280965, 25811986).

Literature cited by the submitters: PubMed 23123320; PubMed 23280965; PubMed 25811986.

NM_013322.3(SNX10):c.16C>T (p.Gln6Ter)

Gene: SNX10 (sorting nexin 10; plus strand). Cytogenetic location: 7p15.2.
Variant type: single nucleotide variant.
Coding change: c.16C>T on transcript NM_013322.3 (MANE Select); coding-DNA position 16, C replaced by T.
Protein change: p.Gln6Ter; replaces glutamine 6 with a stop codon.
Molecular consequence: nonsense. On other transcripts: 5 prime UTR variant (3).
Genome position (GRCh38, 1-based): chr7:26,346,458, C>T. VCF-style: chr7-26346458-C-T. GRCh37 (hg19) VCF-style: chr7-26386078-C-T.
Other names: c.16C>T, p.Gln6Ter (NM_001199835.1, NM_001318199.3); c.-28C>T (NM_001318198.1, NM_001362754.1); c.-156C>T (NM_001362753.1); short protein forms Q6*.
Identifiers: ClinVar variation 1378555 (VCV001378555.6), dbSNP rs1788391157, ClinGen allele CA367227452.